The following is an entry in ClinVar:

ClinVar aggregate classification (germline): Benign (0 of 4 stars; one submission).

Conditions:
COL15A1-related disorder. Also called: COL15A1-related condition.

Allele frequency attached by ClinVar (database versions not stated): ESP Exome Variant Server 0.00223; gnomAD 0.01629; TOPMed 0.02298; ExAC 0.03907; 1000 Genomes Project 30x 0.06137; 1000 Genomes Project 0.06230.
gnomAD v4.1: 22,675 of 1,612,148 alleles (1.4%); highest among the groups gnomAD compares: Admixed American, 13%; 1,385 homozygotes.

Submission:

PreventionGenetics, part of Exact Sciences
Classification: Benign for COL15A1-related condition. Last evaluated: 2019-07-03. Review status: no assertion criteria provided. Collection method: clinical testing. Allele origin: germline.
Comment: This variant is classified as benign based on ACMG/AMP sequence variant interpretation guidelines (Richards et al. 2015 PMID: 25741868, with internal and published modifications).

NM_001855.5(COL15A1):c.1324G>A (p.Ala442Thr)

Gene: COL15A1 (collagen type XV alpha 1 chain; plus strand). Cytogenetic location: 9q22.33.
Variant type: single nucleotide variant.
Coding change: c.1324G>A on transcript NM_001855.5 (MANE Select); coding-DNA position 1324, G replaced by A.
Protein change: p.Ala442Thr; replaces alanine 442 with threonine.
Molecular consequence: missense variant.
Genome position (GRCh38, 1-based): chr9:99,005,021, G>A. VCF-style: chr9-99005021-G-A. GRCh37 (hg19) VCF-style: chr9-101767303-G-A.
Other names: short protein forms A442T.
Identifiers: ClinVar variation 3060796 (VCV003060796.2), dbSNP rs16918128, ClinGen allele CA5154854.